The following is an entry in ClinVar:

NM_014915.3(ANKRD26):c.-88G>C

Gene: ANKRD26 (ankyrin repeat domain 26; minus strand). Cytogenetic location: 10p12.1.
Variant type: single nucleotide variant.
Coding change: c.-88G>C on transcript NM_014915.3 (MANE Select); 88 bases upstream of the start codon, G replaced by C.
Molecular consequence: 5 prime UTR variant.
Genome position (GRCh38, 1-based): chr10:27,100,414, C>G on the plus strand (G>C on the coding strand, the complement: ANKRD26 is on the minus strand). VCF-style: chr10-27100414-C-G. GRCh37 (hg19) VCF-style: chr10-27389343-C-G.
Other names: c.-88G>C (NM_001256053.2).
Identifiers: ClinVar variation 2794252 (VCV002794252.3), dbSNP rs957607780, ClinGen allele CA2608612073.

ClinVar aggregate classification (germline): Uncertain significance (1 of 4 stars; one submission).

gnomAD v4.1: 2 of 1,560,182 alleles (0.00013%); highest among the groups gnomAD compares: Admixed American, 0.0019%; no homozygotes.

Submission:

Labcorp Genetics (formerly Invitae), Labcorp
Classification: Uncertain significance. Last evaluated: 2023-05-13. Review status: criteria provided, single submitter. Criteria: Invitae Variant Classification Sherloc (09022015). Collection method: clinical testing. Allele origin: germline.
Comment: This variant is not present in population databases (gnomAD no frequency). This variant occurs in a non-coding region of the ANKRD26 gene. It does not change the encoded amino acid sequence of the ANKRD26 protein. In summary, the available evidence is currently insufficient to determine the role of this variant in disease. Therefore, it has been classified as a Variant of Uncertain Significance. This variant has not been reported in the literature in individuals affected with ANKRD26-related conditions.